The following is an entry in ClinVar:

ClinVar aggregate classification (germline): Benign/Likely benign. Review status: criteria provided, multiple submitters, no conflicts (2 of 4 stars). 6 submissions from 6 submitters: Benign (2); Likely benign (4). Last evaluated 2025-12-30.

Conditions:
Ventriculomegaly-cystic kidney disease. Also called: Ventriculomegaly with cystic kidney disease. Identifiers: Orphanet 443988, MedGen C1857423, MONDO:0009063, OMIM 219730.
Focal segmental glomerulosclerosis 9 (FSGS9). Identifiers: Orphanet 656, MedGen C4015555, MONDO:0014539, OMIM 616220.

Allele frequency attached by ClinVar (database versions not stated): ESP Exome Variant Server 0.00180; 1000 Genomes Project 0.00260; 1000 Genomes Project 30x 0.00312; TOPMed 0.00409; gnomAD 0.00417 and 0.00422; gnomAD exomes 0.00460; ExAC 0.00649.
gnomAD v4.1: 9,304 of 1,481,920 alleles (0.63%); highest among the groups gnomAD compares: Non-Finnish European, 0.73%; 46 homozygotes.

Submissions (6):

Labcorp Genetics (formerly Invitae), Labcorp
Classification: Benign. Last evaluated: 2025-12-30. Review status: criteria provided, single submitter. Criteria: Invitae Variant Classification Sherloc (09022015). Collection method: clinical testing. Allele origin: germline.

CeGaT Center for Human Genetics Tuebingen
Classification: Likely benign. Last evaluated: 2025-05-01. Review status: criteria provided, single submitter. Criteria: CeGaT Center For Human Genetics Tuebingen Variant Classification Criteria Version 2. Collection method: clinical testing. Allele origin: germline. Affected: yes. Observed: 5 variant alleles.
Comment: CRB2: BP4, BP7, BS2

Blueprint Genetics
Classification: Likely benign. Last evaluated: 2024-11-25. Review status: criteria provided, single submitter. Criteria: ACMG Guidelines, 2015. Collection method: clinical testing. Allele origin: germline.

Fulgent Genetics
Classification: Benign for Ventriculomegaly-cystic kidney disease; Focal segmental glomerulosclerosis 9. Last evaluated: 2021-08-10. Review status: criteria provided, single submitter. Criteria: ACMG Guidelines, 2015. Collection method: clinical testing. Allele origin: unknown.

GeneDx
Classification: Likely benign. Last evaluated: 2021-03-09. Review status: criteria provided, single submitter. Criteria: GeneDx Variant Classification Process June 2021. Collection method: clinical testing. Allele origin: germline. Affected: yes.
Comment: This variant is associated with the following publications: (PMID: 15851977)

Breakthrough Genomics
Classification: Likely benign. Review status: criteria provided, single submitter. Criteria: ACMG Guidelines, 2015. Collection method: not provided. Allele origin: germline. Inheritance: Autosomal recessive inheritance. Affected: yes.

NM_173689.7(CRB2):c.2748C>T (p.Ala916=)

Gene: CRB2 (crumbs cell polarity complex component 2; plus strand). Cytogenetic location: 9q33.3.
Variant type: single nucleotide variant.
Coding change: c.2748C>T on transcript NM_173689.7 (MANE Select); coding-DNA position 2748, C replaced by T.
Protein change: p.Ala916=; no amino-acid change (alanine 916 retained).
Molecular consequence: synonymous variant. On other transcripts: non-coding transcript variant (1).
Genome position (GRCh38, 1-based): chr9:123,373,279, C>T. VCF-style: chr9-123373279-C-T. GRCh37 (hg19) VCF-style: chr9-126135558-C-T.
Identifiers: ClinVar variation 774677 (VCV000774677.43), dbSNP rs372726074, ClinGen allele CA5232294.